The following is an entry in ClinVar:

ClinVar aggregate classification (germline): Uncertain significance (1 of 4 stars; one submission).

Conditions:
Idiopathic generalized epilepsy. Also called: Generalised epilepsy; EIG. Identifiers: MedGen C0270850, MONDO:0005579, OMIM 600669.
Hyperaldosteronism, familial, type IV (HALD4). Also called: FH IV; ALDOSTERONISM, PRIMARY, AND HYPERTENSION. Identifiers: Orphanet 642671, MedGen C4310756, MONDO:0014875, OMIM 617027.

Allele frequency attached by ClinVar (database versions not stated): gnomAD exomes below 0.00001; gnomAD 0.00002.
gnomAD v4.1: 3 of 1,354,236 alleles (0.00022%); highest among the groups gnomAD compares: Admixed American, 0.0063%; no homozygotes.

Submission:

Labcorp Genetics (formerly Invitae), Labcorp
Classification: Uncertain significance for Idiopathic generalized epilepsy; Hyperaldosteronism, familial, type IV. Last evaluated: 2024-10-17. Review status: criteria provided, single submitter. Criteria: Invitae Variant Classification Sherloc (09022015). Collection method: clinical testing. Allele origin: germline.
Comment: This sequence change replaces aspartic acid, which is acidic and polar, with histidine, which is basic and polar, at codon 1297 of the CACNA1H protein (p.Asp1297His). This variant is not present in population databases (gnomAD no frequency). This variant has not been reported in the literature in individuals affected with CACNA1H-related conditions. ClinVar contains an entry for this variant (Variation ID: 1460956). Invitae Evidence Modeling of protein sequence and biophysical properties (such as structural, functional, and spatial information, amino acid conservation, physicochemical variation, residue mobility, and thermodynamic stability) indicates that this missense variant is expected to disrupt CACNA1H protein function with a positive predictive value of 80%. In summary, the available evidence is currently insufficient to determine the role of this variant in disease. Therefore, it has been classified as a Variant of Uncertain Significance.

NM_021098.3(CACNA1H):c.3889G>C (p.Asp1297His)

Gene: CACNA1H (calcium voltage-gated channel subunit alpha1 H; plus strand). Cytogenetic location: 16p13.3.
Variant type: single nucleotide variant.
Coding change: c.3889G>C on transcript NM_021098.3 (MANE Select); coding-DNA position 3889, G replaced by C.
Protein change: p.Asp1297His; replaces aspartic acid 1297 with histidine.
Molecular consequence: missense variant.
Genome position (GRCh38, 1-based): chr16:1,210,413, G>C. VCF-style: chr16-1210413-G-C. GRCh37 (hg19) VCF-style: chr16-1260413-G-C.
Other names: c.3889G>C, p.Asp1297His (NM_001005407.2); short protein forms D1297H.
Identifiers: ClinVar variation 1460956 (VCV001460956.6), dbSNP rs2141338845, ClinGen allele CA394176461.
Genomic context (GRCh38, chr16:1,210,413, plus strand): 5'-CGCCCCCGCCCACCCAGGTTCCGCGTCTCCTGCCAGAAGGTCATCACACACAAGATGTTT[G>C]ATCACGTGGTCCTCGTCTTCATCTTCCTCAACTGCGTCACCATCGCCCTGGAGAGGCCTG-3'
Protein context (NP_066921.2, residues 1287-1307): CQKVITHKMF[Asp1297His]HVVLVFIFLN